The following is an entry in ClinVar:

NM_003401.5(XRCC4):c.183G>T (p.Met61Ile)

Gene: XRCC4 (X-ray repair cross complementing 4; plus strand). Cytogenetic location: 5q14.2.
Variant type: single nucleotide variant.
Coding change: c.183G>T on transcript NM_003401.5 (MANE Select); coding-DNA position 183, G replaced by T.
Protein change: p.Met61Ile; replaces methionine 61 with isoleucine.
Molecular consequence: missense variant.
Genome position (GRCh38, 1-based): chr5:83,111,071, G>T. VCF-style: chr5-83111071-G-T. GRCh37 (hg19) VCF-style: chr5-82406890-G-T.
Other names: c.183G>T, p.Met61Ile (NM_001131022.1, NM_001318012.3, NM_001318013.2 and 2 more transcripts); short protein forms M61I.
Identifiers: ClinVar variation 1936119 (VCV001936119.5), dbSNP rs1369565470, ClinGen allele CA360356930.

ClinVar aggregate classification (germline): Uncertain significance (1 of 4 stars; one submission).

Allele frequency attached by ClinVar (database versions not stated): gnomAD exomes below 0.00001.
gnomAD v4.1: 1 of 1,611,322 alleles (0.000062%); highest among the groups gnomAD compares: Admixed American, 0.0017%; no homozygotes.

Submission:

Labcorp Genetics (formerly Invitae), Labcorp
Classification: Uncertain significance. Last evaluated: 2025-08-11. Review status: criteria provided, single submitter. Criteria: Invitae Variant Classification Sherloc (09022015). Collection method: clinical testing. Allele origin: germline.
Comment: This sequence change replaces methionine, which is neutral and non-polar, with isoleucine, which is neutral and non-polar, at codon 61 of the XRCC4 protein (p.Met61Ile). This variant is not present in population databases (gnomAD no frequency). This variant has not been reported in the literature in individuals affected with XRCC4-related conditions. ClinVar contains an entry for this variant (Variation ID: 1936119). Invitae Evidence Modeling of protein sequence and biophysical properties (such as structural, functional, and spatial information, amino acid conservation, physicochemical variation, residue mobility, and thermodynamic stability) has been performed for this missense variant. However, the output from this modeling did not meet the statistical confidence thresholds required to predict the impact of this variant on XRCC4 protein function. In summary, the available evidence is currently insufficient to determine the role of this variant in disease. Therefore, it has been classified as a Variant of Uncertain Significance.